The following is an entry in ClinVar:

NM_000059.4(BRCA2):c.3491T>C (p.Leu1164Pro)

Gene: BRCA2 (BRCA2 DNA repair associated; plus strand). Cytogenetic location: 13q13.1.
Variant type: single nucleotide variant.
Coding change: c.3491T>C on transcript NM_000059.4 (MANE Select); coding-DNA position 3491, T replaced by C.
Protein change: p.Leu1164Pro; replaces leucine 1164 with proline.
Molecular consequence: missense variant.
Genome position (GRCh38, 1-based): chr13:32,337,846, T>C. VCF-style: chr13-32337846-T-C. GRCh37 (hg19) VCF-style: chr13-32911983-T-C.
Other names: short protein forms L1164P.
Identifiers: ClinVar variation 968185 (VCV000968185.11), dbSNP rs746847103, ClinGen allele CA387776909.
Genomic context (GRCh38, chr13:32,337,846, plus strand): 5'-TGCCTGAAAACCAGATGACTATCTTAAAGACCACTTCTGAGGAATGCAGAGATGCTGATC[T>C]TCATGTCATAATGAATGCCCCATCGATTGGTCAGGTAGACAGCAGCAAGCAATTTGAAGG-3'
Protein context (NP_000050.3, residues 1154-1174): TTSEECRDAD[Leu1164Pro]HVIMNAPSIG

ClinVar aggregate classification (germline): Conflicting classifications of pathogenicity. Review status: criteria provided, conflicting classifications (1 of 4 stars). 2 submissions from 2 submitters: Uncertain significance (1); Likely benign (1). Last evaluated 2023-03-23.

Conditions:
Hereditary cancer-predisposing syndrome. Also called: Hereditary neoplastic syndrome; Neoplastic Syndromes, Hereditary; Hereditary Cancer Syndrome; Tumor predisposition. Identifiers: Orphanet 140162, MedGen C0027672, MeSH D009386, MONDO:0015356.
Hereditary breast ovarian cancer syndrome. Also called: Hereditary breast and ovarian cancer; Hereditary breast and/or ovarian cancer syndrome; Hereditary breast and ovarian cancer syndrome; Hereditary breast and ovarian cancer syndrome (HBOC); Breast and ovarian cancer; BRCA1- and BRCA2-Associated Hereditary Breast and Ovarian Cancer. Identifiers: Orphanet 145, MedGen C0677776, MeSH D061325, MONDO:0003582. Disease mechanism: loss of function.

Submissions (2):

University of Washington Department of Laboratory Medicine, University of Washington
Classification: Likely benign for Hereditary cancer-predisposing syndrome. Last evaluated: 2023-03-23. Review status: criteria provided, single submitter. Criteria: Dines et al. (Genet Med. 2020). Collection method: curation. Allele origin: germline.
Comment: Missense variant in a coldspot region where missense variants are very unlikely to be pathogenic (PMID:31911673).

BRCA2 exon 11 coldspot. Reclassification based on statistical prior probability.

Labcorp Genetics (formerly Invitae), Labcorp
Classification: Uncertain significance for Hereditary breast ovarian cancer syndrome. Last evaluated: 2019-10-18. Review status: criteria provided, single submitter. Criteria: Invitae Variant Classification Sherloc (09022015). Collection method: clinical testing. Allele origin: germline.
Comment: This variant is not present in population databases (ExAC no frequency). This sequence change replaces leucine with proline at codon 1164 of the BRCA2 protein (p.Leu1164Pro). The leucine residue is moderately conserved and there is a moderate physicochemical difference between leucine and proline. This variant has not been reported in the literature in individuals with BRCA2-related conditions. In summary, the available evidence is currently insufficient to determine the role of this variant in disease. Therefore, it has been classified as a Variant of Uncertain Significance. Algorithms developed to predict the effect of missense changes on protein structure and function output the following: SIFT: "Deleterious"; PolyPhen-2: "Benign"; Align-GVGD: "Class C0". The proline amino acid residue is found in multiple mammalian species, suggesting that this missense change does not adversely affect protein function. These predictions have not been confirmed by published functional studies and their clinical significance is uncertain.